The following is an entry in ClinVar:

NM_058216.3(RAD51C):c.344T>C (p.Val115Ala)

Gene: RAD51C (RAD51 paralog C; plus strand). Cytogenetic location: 17q22.
Variant type: single nucleotide variant.
Coding change: c.344T>C on transcript NM_058216.3 (MANE Select); coding-DNA position 344, T replaced by C.
Protein change: p.Val115Ala; replaces valine 115 with alanine.
Molecular consequence: missense variant. On other transcripts: non-coding transcript variant (2).
Genome position (GRCh38, 1-based): chr17:58,695,129, T>C. VCF-style: chr17-58695129-T-C. GRCh37 (hg19) VCF-style: chr17-56772490-T-C.
Other names: c.344T>C, p.Val115Ala (NM_002876.4); short protein forms V115A.
Identifiers: ClinVar variation 654903 (VCV000654903.15), dbSNP rs779104845, ClinGen allele CA8677199.

ClinVar aggregate classification (germline): Conflicting classifications of pathogenicity. Review status: criteria provided, conflicting classifications (1 of 4 stars). 3 submissions from 3 submitters: Uncertain significance (2); Benign (1). Last evaluated 2025-09-25.

Conditions:
Breast-ovarian cancer, familial, susceptibility to, 3. Also called: RAD51C-Related Breast/Ovarian Cancer. Identifiers: Orphanet 145, MedGen C3150659, MONDO:0013253, OMIM 613399.
Hereditary cancer-predisposing syndrome. Also called: Neoplastic Syndromes, Hereditary; Hereditary neoplastic syndrome; Hereditary Cancer Syndrome; Tumor predisposition. Identifiers: Orphanet 140162, MedGen C0027672, MeSH D009386, MONDO:0015356.
Fanconi anemia complementation group O. Also called: RAD51C-Related Fanconi Anemia. Identifiers: Orphanet 84, MedGen C3150653, MONDO:0013248, OMIM 613390.

Allele frequency attached by ClinVar (database versions not stated): gnomAD exomes below 0.00001; ExAC 0.00001.
gnomAD v4.1: 1 of 1,613,854 alleles (0.000062%); no homozygotes.

Submissions (3):

Ambry Genetics
Classification: Benign for Hereditary cancer-predisposing syndrome. Last evaluated: 2025-09-25. Review status: criteria provided, single submitter. Criteria: Ambry Variant Classification Scheme 2023. Collection method: clinical testing. Allele origin: germline.

Baylor Genetics
Classification: Uncertain significance for Breast-ovarian cancer, familial, susceptibility to, 3. Last evaluated: 2023-08-04. Review status: criteria provided, single submitter. Criteria: ACMG Guidelines, 2015. Collection method: clinical testing. Allele origin: unknown.

Labcorp Genetics (formerly Invitae), Labcorp
Classification: Uncertain significance for Fanconi anemia complementation group O. Last evaluated: 2018-12-28. Review status: criteria provided, single submitter. Criteria: Invitae Variant Classification Sherloc (09022015). Collection method: clinical testing. Allele origin: germline.
Comment: In summary, the available evidence is currently insufficient to determine the role of this variant in disease. Therefore, it has been classified as a Variant of Uncertain Significance. Algorithms developed to predict the effect of missense changes on protein structure and function (SIFT, PolyPhen-2, Align-GVGD) all suggest that this variant is likely to be tolerated, but these predictions have not been confirmed by published functional studies and their clinical significance is uncertain. This variant has not been reported in the literature in individuals with RAD51C-related conditions. This variant is present in population databases (rs779104845, ExAC 0.002%). This sequence change replaces valine with alanine at codon 115 of the RAD51C protein (p.Val115Ala). The valine residue is weakly conserved and there is a small physicochemical difference between valine and alanine.